The following is an entry in ClinVar:

NM_003002.4(SDHD):c.169+6T>G

Gene: SDHD (succinate dehydrogenase complex subunit D; plus strand). Cytogenetic location: 11q23.1.
Variant type: single nucleotide variant.
Coding change: c.169+6T>G on transcript NM_003002.4 (MANE Select); 6 bases into the intron after coding-DNA position 169, T replaced by G.
Molecular consequence: intron variant.
Genome position (GRCh38, 1-based): chr11:112,087,979, T>G. VCF-style: chr11-112087979-T-G. GRCh37 (hg19) VCF-style: chr11-111958703-T-G.
Other names: c.169+6T>G (NM_001276506.2, NM_001276503.2); c.53-888T>G (NM_001276504.2).
Identifiers: ClinVar variation 4786522 (VCV004786522.1).

ClinVar aggregate classification (germline): Uncertain significance (1 of 4 stars; one submission).

Conditions:
Pheochromocytoma. Also called: MAX-Related Hereditary Paraganglioma-Pheochromocytoma Syndrome. Identifiers: Orphanet 29072, MedGen C0031511, MONDO:0008233, OMIM 171300, HP:0002666.
Paragangliomas with sensorineural hearing loss. Identifiers: MedGen C1868633.
Carney-Stratakis syndrome. Also called: PARAGANGLIOMA AND GASTROINTESTINAL STROMAL TUMOR. Identifiers: Orphanet 97286, MedGen C1847319, MONDO:0011740, OMIM 606864.
Cowden syndrome 3 (CWS3). Identifiers: Orphanet 201, MedGen CN166604, MONDO:0014045.

Submission:

Labcorp Genetics (formerly Invitae), Labcorp
Classification: Uncertain significance for Carney-Stratakis syndrome; Paragangliomas with sensorineural hearing loss; Pheochromocytoma; Cowden syndrome 3. Last evaluated: 2025-10-27. Review status: criteria provided, single submitter. Criteria: Invitae Variant Classification Sherloc (09022015). Collection method: clinical testing. Allele origin: germline.
Comment: This sequence change falls in intron 2 of the SDHD gene. It does not directly change the encoded amino acid sequence of the SDHD protein. It affects a nucleotide within the consensus splice site. This variant is not present in population databases (gnomAD no frequency). This variant has not been reported in the literature in individuals affected with SDHD-related conditions. Variants that disrupt the consensus splice site are a relatively common cause of aberrant splicing (PMID: 17576681, 9536098). Algorithms developed to predict the effect of sequence changes on RNA splicing suggest that this variant may disrupt the consensus splice site. In summary, the available evidence is currently insufficient to determine the role of this variant in disease. Therefore, it has been classified as a Variant of Uncertain Significance.

Literature cited by the submitters: PubMed 17576681; PubMed 9536098.